The following is an entry in ClinVar:

ClinVar aggregate classification (germline): Benign (1 of 4 stars; one submission).

Conditions:
Symmetrical dyschromatosis of extremities (DSH). Also called: Dyschromatosis symmetrica hereditaria; DYSCHROMATOSIS SYMMETRICA HEREDITARIA 1; RETICULATE ACROPIGMENTATION OF DOHI; SYMMETRIC DYSCHROMATOSIS OF THE EXTREMITIES. Identifiers: Orphanet 41, MedGen C0406775, MONDO:0007483, OMIM 127400.

Allele frequency attached by ClinVar (database versions not stated): TOPMed 0.00271; gnomAD 0.00255; 1000 Genomes Project 30x 0.00437; 1000 Genomes Project 0.00539.

Submission:

Illumina Laboratory Services, Illumina
Classification: Benign for Symmetrical dyschromatosis of extremities. Last evaluated: 2018-01-13. Review status: criteria provided, single submitter. Criteria: ICSL Variant Classification Criteria 13 December 2019. Collection method: clinical testing. Allele origin: germline.
Comment: This variant was observed in the ICSL laboratory as part of a predisposition screen in an ostensibly healthy population. It had not been previously curated by ICSL or reported in the Human Gene Mutation Database (HGMD: prior to June 1st, 2018), and was therefore a candidate for classification through an automated scoring system. Utilizing variant allele frequency, disease prevalence and penetrance estimates, and inheritance mode, an automated score was calculated to assess if this variant is too frequent to cause the disease. Based on the score and internal cut-off values, a variant classified as benign is not then subjected to further curation. The score for this variant resulted in a classification of benign for this disease.

NM_001111.5(ADAR):c.*1436G>T

Gene: ADAR (adenosine deaminase RNA specific; minus strand). Cytogenetic location: 1q21.3.
Variant type: single nucleotide variant.
Coding change: c.*1436G>T on transcript NM_001111.5 (MANE Select); 1436 bases downstream of the stop codon, G replaced by T.
Molecular consequence: 3 prime UTR variant.
Genome position (GRCh38, 1-based): chr1:154,583,370, C>A on the plus strand (G>T on the coding strand, the complement: ADAR is on the minus strand). VCF-style: chr1-154583370-C-A. GRCh37 (hg19) VCF-style: chr1-154555846-C-A.
Other names: c.*1436G>T (LRG_1212t1, NM_001025107.3, NM_001193495.2 and 7 more transcripts).
Identifiers: ClinVar variation 292722 (VCV000292722.5), dbSNP rs144500439, ClinGen allele CA10607888.